The following is an entry in ClinVar:

ClinVar aggregate classification (germline): Uncertain significance (1 of 4 stars; one submission).

gnomAD v4.1: 9 of 1,589,488 alleles (0.00057%); highest among the groups gnomAD compares: South Asian, 0.0045%; no homozygotes.

Submission:

Labcorp Genetics (formerly Invitae), Labcorp
Classification: Uncertain significance. Last evaluated: 2024-09-30. Review status: criteria provided, single submitter. Criteria: Invitae Variant Classification Sherloc (09022015). Collection method: clinical testing. Allele origin: germline.
Comment: This sequence change replaces alanine, which is neutral and non-polar, with threonine, which is neutral and polar, at codon 99 of the CPOX protein (p.Ala99Thr). This variant is present in population databases (rs746194537, gnomAD 0.004%). This variant has not been reported in the literature in individuals affected with CPOX-related conditions. An algorithm developed to predict the effect of missense changes on protein structure and function (PolyPhen-2) suggests that this variant is likely to be tolerated. In summary, the available evidence is currently insufficient to determine the role of this variant in disease. Therefore, it has been classified as a Variant of Uncertain Significance.

NM_000097.7(CPOX):c.295G>A (p.Ala99Thr)

Genes: CPOX (coproporphyrinogen oxidase; minus strand), LOC129937121 (ATAC-STARR-seq lymphoblastoid silent region 14560; plus strand). Cytogenetic location: 3q11.2.
Variant type: single nucleotide variant.
Coding change: c.295G>A on transcript NM_000097.7 (MANE Select); coding-DNA position 295, G replaced by A.
Protein change: p.Ala99Thr; replaces alanine 99 with threonine.
Molecular consequence: missense variant.
Genome position (GRCh38, 1-based): chr3:98,593,210, C>T on the plus strand (G>A on the coding strand, the complement: CPOX is on the minus strand). VCF-style: chr3-98593210-C-T. GRCh37 (hg19) VCF-style: chr3-98312054-C-T.
Other names: short protein forms A99T.
Identifiers: ClinVar variation 3725961 (VCV003725961.2).